The following is an entry in ClinVar:

NM_001126108.2(SLC12A3):c.2038-2A>G

Gene: SLC12A3 (solute carrier family 12 member 3; plus strand). Cytogenetic location: 16q13.
Variant type: single nucleotide variant.
Coding change: c.2038-2A>G on transcript NM_001126108.2 (MANE Select); the canonical splice acceptor site of the intron before coding-DNA position 2038, A replaced by G.
Molecular consequence: splice acceptor variant.
Genome position (GRCh38, 1-based): chr16:56,886,951, A>G. VCF-style: chr16-56886951-A-G. GRCh37 (hg19) VCF-style: chr16-56920863-A-G.
Other names: c.2038-2A>G (NM_000339.3); c.2035-2A>G (NM_001126107.2, NM_001410896.1).
Identifiers: ClinVar variation 4818198 (VCV004818198.1).

ClinVar aggregate classification (germline): Likely pathogenic (1 of 4 stars; one submission).

Conditions:
Familial hypokalemia-hypomagnesemia (GTLMNS). Also called: POTASSIUM AND MAGNESIUM DEPLETION; HYPOMAGNESEMIA-HYPOKALEMIA, PRIMARY RENOTUBULAR, WITH HYPOCALCIURIA; gitelman syndrome. Identifiers: Orphanet 358, MedGen C0268450, MONDO:0009904, OMIM 263800.

Submission:

Natera, Inc.
Classification: Likely pathogenic for Gitelman syndrome. Last evaluated: 2024-09-27. Review status: criteria provided, single submitter. Criteria: Natera Variant Classification Schema (03/2026). Collection method: clinical testing. Allele origin: germline.
Comment: The c.2038-2A>G variant in SLC12A3 is a canonical splice acceptor site variant predicted to affect pre-mRNA splicing, which may result in an abnormal transcript and altered protein product. This variant is expected to result in nonsense mediated decay, truncation, or a dysfunctional protein product. This variant is rare in the general population with a frequency below the threshold expected for the associated phenotype(s). Given the available evidence, this variant is classified as Likely Pathogenic.